The following is an entry in ClinVar:

NM_015559.3(SETBP1):c.658A>C (p.Met220Leu)

Gene: SETBP1 (SET binding protein 1; plus strand). Cytogenetic location: 18q12.3.
Variant type: single nucleotide variant.
Coding change: c.658A>C on transcript NM_015559.3 (MANE Select); coding-DNA position 658, A replaced by C.
Protein change: p.Met220Leu; replaces methionine 220 with leucine.
Molecular consequence: missense variant.
Genome position (GRCh38, 1-based): chr18:44,949,998, A>C. VCF-style: chr18-44949998-A-C. GRCh37 (hg19) VCF-style: chr18-42529963-A-C.
Other names: c.658A>C, p.Met220Leu (NM_001379142.1, NM_001379141.1); short protein forms M220L.
Identifiers: ClinVar variation 1196900 (VCV001196900.2), dbSNP rs2145092534, ClinGen allele CA402316555.

ClinVar aggregate classification (germline): Likely benign (1 of 4 stars; one submission).

Submission:

GeneDx
Classification: Likely benign. Last evaluated: 2020-03-20. Review status: criteria provided, single submitter. Criteria: GeneDx Variant Classification Process June 2021. Collection method: clinical testing. Allele origin: germline. Affected: yes.
Comment: Not observed in large population cohorts (Lek et al., 2016); In silico analysis, which includes protein predictors and evolutionary conservation, supports that this variant does not alter protein structure/function; Has not been previously published as pathogenic or benign to our knowledge